The following is an entry in ClinVar:

NM_000238.4(KCNH2):c.49A>C (p.Thr17Pro)

Gene: KCNH2 (potassium voltage-gated channel subfamily H member 2; minus strand). Cytogenetic location: 7q36.1.
Variant type: single nucleotide variant.
Coding change: c.49A>C on transcript NM_000238.4 (MANE Select); coding-DNA position 49, A replaced by C.
Protein change: p.Thr17Pro; replaces threonine 17 with proline.
Molecular consequence: missense variant. On other transcripts: non-coding transcript variant (1).
Genome position (GRCh38, 1-based): chr7:150,977,865, T>G on the plus strand (A>C on the coding strand, the complement: KCNH2 is on the minus strand). VCF-style: chr7-150977865-T-G. GRCh37 (hg19) VCF-style: chr7-150674953-T-G.
Other names: c.49A>C, p.Thr17Pro (NM_172056.3); short protein forms T17P.
Identifiers: ClinVar variation 3069417 (VCV003069417.2), dbSNP rs2486167222, ClinGen allele CA369866687.

ClinVar aggregate classification (germline): Uncertain significance. Review status: criteria provided, multiple submitters, no conflicts (2 of 4 stars). 2 submissions from 2 submitters: Uncertain significance (2). Last evaluated 2025-03-26.

Conditions:
Long QT syndrome (LQTS). Identifiers: MedGen C0023976, MeSH D008133, MONDO:0002442. Disease mechanism: loss of function. Inheritance: Various modes of inheritance.
Cardiovascular phenotype. Identifiers: MedGen CN230736.

Submissions (2):

Ambry Genetics
Classification: Uncertain significance for Cardiovascular phenotype. Last evaluated: 2025-03-26. Review status: criteria provided, single submitter. Criteria: Ambry Variant Classification Scheme 2023. Collection method: clinical testing. Allele origin: germline.
Comment: The p.T17P variant (also known as c.49A>C), located in coding exon 1 of the KCNH2 gene, results from an A to C substitution at nucleotide position 49. The threonine at codon 17 is replaced by proline, an amino acid with highly similar properties. This amino acid position is well conserved in available vertebrate species. In addition, this alteration is predicted to be deleterious by in silico analysis. Based on the available evidence, the clinical significance of this variant remains unclear.

All of Us Research Program, National Institutes of Health
Classification: Uncertain significance for Long QT syndrome. Last evaluated: 2024-01-11. Review status: criteria provided, single submitter. Criteria: ACMG Guidelines, 2015. Collection method: clinical testing. Allele origin: germline. Inheritance: Autosomal dominant inheritance. Observed: 3 variant alleles, 3 heterozygotes.
Comment: This study involves interpretation of variants in research participants for the purpose of population health screening. Participant phenotype was not available at the time of variant classification. Additional details can be found in publication PMID: 35346344, PMCID: PMC8962531